The following is an entry in ClinVar:

ClinVar aggregate classification (germline): Uncertain significance. Review status: criteria provided, multiple submitters, no conflicts (2 of 4 stars). 2 submissions from 2 submitters: Uncertain significance (2). Last evaluated 2025-10-01.

Conditions:
Inborn genetic diseases. Identifiers: MedGen C0950123, MeSH D030342.
Deficiency of ferroxidase (ACEP). Also called: NEURODEGENERATION WITH BRAIN IRON ACCUMULATION 10; Aceruloplasminemia; Ceruloplasmin deficiency; Familial apoceruloplasmin deficiency; Hereditary ceruloplasmin deficiency; Deficiency of ceruloplasmin. Identifiers: Orphanet 48818, MedGen C0878682, MONDO:0011426, OMIM 604290, HP:0025498.

Allele frequency attached by ClinVar (database versions not stated): ExAC 0.00001; gnomAD 0.00001; TOPMed 0.00001.
gnomAD v4.1: 6 of 1,614,130 alleles (0.00037%); highest among the groups gnomAD compares: East Asian, 0.0022%; no homozygotes.

Submissions (2):

Labcorp Genetics (formerly Invitae), Labcorp
Classification: Uncertain significance for Deficiency of ferroxidase. Last evaluated: 2025-10-01. Review status: criteria provided, single submitter. Criteria: Invitae Variant Classification Sherloc (09022015). Collection method: clinical testing. Allele origin: germline.
Comment: This sequence change replaces threonine, which is neutral and polar, with serine, which is neutral and polar, at codon 464 of the CP protein (p.Thr464Ser). This variant is present in population databases (rs771374163, gnomAD no frequency). This variant has not been reported in the literature in individuals affected with CP-related conditions. ClinVar contains an entry for this variant (Variation ID: 2468717). Invitae Evidence Modeling of protein sequence and biophysical properties (such as structural, functional, and spatial information, amino acid conservation, physicochemical variation, residue mobility, and thermodynamic stability) indicates that this missense variant is not expected to disrupt CP protein function with a negative predictive value of 80%. In summary, the available evidence is currently insufficient to determine the role of this variant in disease. Therefore, it has been classified as a Variant of Uncertain Significance.

Ambry Genetics
Classification: Uncertain significance for Inborn genetic diseases. Last evaluated: 2025-05-04. Review status: criteria provided, single submitter. Criteria: Ambry Variant Classification Scheme 2023. Collection method: clinical testing. Allele origin: germline.

NM_000096.4(CP):c.1391C>G (p.Thr464Ser)

Gene: CP (ceruloplasmin; minus strand). Cytogenetic location: 3q24.
Variant type: single nucleotide variant.
Coding change: c.1391C>G on transcript NM_000096.4 (MANE Select); coding-DNA position 1391, C replaced by G.
Protein change: p.Thr464Ser; replaces threonine 464 with serine.
Molecular consequence: missense variant. On other transcripts: non-coding transcript variant (1).
Genome position (GRCh38, 1-based): chr3:149,199,822, G>C on the plus strand (C>G on the coding strand, the complement: CP is on the minus strand). VCF-style: chr3-149199822-G-C. GRCh37 (hg19) VCF-style: chr3-148917609-G-C.
Other names: short protein forms T464S.
Identifiers: ClinVar variation 2468717 (VCV002468717.4), dbSNP rs771374163, ClinGen allele CA2661035.